The following is an entry in ClinVar:

ClinVar aggregate classification (germline): Uncertain significance (1 of 4 stars; one submission).

Conditions:
Neuroblastoma, susceptibility to, 3. Also called: ALK-Related Neuroblastic Tumor Susceptibility. Identifiers: Orphanet 635, MedGen C2751681, MONDO:0013083, OMIM 613014.

Allele frequency attached by ClinVar (database versions not stated): gnomAD exomes below 0.00001.
gnomAD v4.1: 2 of 1,614,090 alleles (0.00012%); highest among the groups gnomAD compares: South Asian, 0.0011%; no homozygotes.

Submission:

Labcorp Genetics (formerly Invitae), Labcorp
Classification: Uncertain significance for Neuroblastoma, susceptibility to, 3. Last evaluated: 2024-03-19. Review status: criteria provided, single submitter. Criteria: Invitae Variant Classification Sherloc (09022015). Collection method: clinical testing. Allele origin: germline.
Comment: This sequence change creates a premature translational stop signal (p.Arg184*) in the ALK gene. It is expected to result in an absent or disrupted protein product. However, the current clinical and genetic evidence is not sufficient to establish whether loss-of-function variants in ALK cause disease. This variant is present in population databases (no rsID available, gnomAD 0.003%). This variant has not been reported in the literature in individuals affected with ALK-related conditions. ClinVar contains an entry for this variant (Variation ID: 1926698). In summary, the available evidence is currently insufficient to determine the role of this variant in disease. Therefore, it has been classified as a Variant of Uncertain Significance.

NM_004304.5(ALK):c.550C>T (p.Arg184Ter)

Gene: ALK (ALK receptor tyrosine kinase; minus strand). Cytogenetic location: 2p23.1.
Variant type: single nucleotide variant.
Coding change: c.550C>T on transcript NM_004304.5 (MANE Select); coding-DNA position 550, C replaced by T.
Protein change: p.Arg184Ter; replaces arginine 184 with a stop codon.
Molecular consequence: nonsense.
Genome position (GRCh38, 1-based): chr2:29,920,110, G>A on the plus strand (C>T on the coding strand, the complement: ALK is on the minus strand). VCF-style: chr2-29920110-G-A. GRCh37 (hg19) VCF-style: chr2-30142976-G-A.
Other names: short protein forms R184*.
Identifiers: ClinVar variation 1926698 (VCV001926698.5), dbSNP rs1379890469, ClinGen allele CA346589816.